The following is an entry in ClinVar:

ClinVar aggregate classification (germline): Uncertain significance (1 of 4 stars; one submission).

Allele frequency attached by ClinVar (database versions not stated): gnomAD exomes below 0.00001; ExAC 0.00001.
gnomAD v4.1: 1 of 1,613,656 alleles (0.000062%); highest among the groups gnomAD compares: South Asian, 0.0011%; no homozygotes.

Submission:

Labcorp Genetics (formerly Invitae), Labcorp
Classification: Uncertain significance. Last evaluated: 2021-10-13. Review status: criteria provided, single submitter. Criteria: Invitae Variant Classification Sherloc (09022015). Collection method: clinical testing. Allele origin: germline.
Comment: This variant has not been reported in the literature in individuals affected with A4GALT-related conditions. This sequence change replaces valine, which is neutral and non-polar, with isoleucine, which is neutral and non-polar, at codon 112 of the A4GALT protein (p.Val112Ile). This variant is present in population databases (rs781617781, gnomAD 0.003%). Algorithms developed to predict the effect of missense changes on protein structure and function are either unavailable or do not agree on the potential impact of this missense change (SIFT: "Not Available"; PolyPhen-2: "Benign"; Align-GVGD: "Not Available"). In summary, the available evidence is currently insufficient to determine the role of this variant in disease. Therefore, it has been classified as a Variant of Uncertain Significance.

NM_017436.7(A4GALT):c.334G>A (p.Val112Ile)

Gene: A4GALT (alpha 1,4-galactosyltransferase (P1PK blood group); minus strand). Cytogenetic location: 22q13.2.
Variant type: single nucleotide variant.
Coding change: c.334G>A on transcript NM_017436.7 (MANE Select); coding-DNA position 334, G replaced by A.
Protein change: p.Val112Ile; replaces valine 112 with isoleucine.
Molecular consequence: missense variant.
Genome position (GRCh38, 1-based): chr22:42,693,618, C>T on the plus strand (G>A on the coding strand, the complement: A4GALT is on the minus strand). VCF-style: chr22-42693618-C-T. GRCh37 (hg19) VCF-style: chr22-43089624-C-T.
Other names: c.334G>A, p.Val112Ile (NM_001318038.3); short protein forms V112I.
Identifiers: ClinVar variation 1346328 (VCV001346328.6), dbSNP rs781617781, ClinGen allele CA10270328.
Genomic context (GRCh38, chr22:42,693,618, plus strand): 5'-GTGAGATGCCCAGGTGCCGGGGCAGAGAGGCGTTGCCACCCGGAAGCCCTTTCATCAGGA[C>T]CAGCACGTGGGATTCGGGGTGAGTTCTGGCGGCCGACTCCACCGAGCACATGAACAGGAA-3'
Protein context (NP_059132.1, residues 102-122): ARTHPESHVL[Val112Ile]LMKGLPGGNA